The following is an entry in ClinVar:

ClinVar aggregate classification (germline): Uncertain significance. Review status: criteria provided, multiple submitters, no conflicts (2 of 4 stars). 2 submissions from 2 submitters: Uncertain significance (2). Last evaluated 2024-04-08.

Conditions:
Cardiomyopathy (CMYO). Also called: Cardiomyopathies. Identifiers: Orphanet 167848, MedGen C0878544, MONDO:0004994, HP:0001638. Inheritance: Various modes of inheritance.
Lethal congenital glycogen storage disease of heart. Also called: GLYCOGEN STORAGE DISEASE OF HEART; PHOSPHORYLASE KINASE DEFICIENCY OF HEART. Identifiers: Orphanet 439854, MedGen C1849813, MONDO:0009867, OMIM 261740.

Allele frequency attached by ClinVar (database versions not stated): TOPMed below 0.00001; ExAC 0.00001; gnomAD 0.00001; gnomAD exomes 0.00001.
gnomAD v4.1: 12 of 1,601,068 alleles (0.00075%); highest among the groups gnomAD compares: Non-Finnish European, 0.00094%; no homozygotes.

Submissions (2):

Labcorp Genetics (formerly Invitae), Labcorp
Classification: Uncertain significance for Lethal congenital glycogen storage disease of heart. Last evaluated: 2024-04-08. Review status: criteria provided, single submitter. Criteria: Invitae Variant Classification Sherloc (09022015). Collection method: clinical testing. Allele origin: germline.
Comment: This sequence change falls in intron 9 of the PRKAG2 gene. It does not directly change the encoded amino acid sequence of the PRKAG2 protein. This variant is present in population databases (rs772764664, gnomAD 0.002%). This variant has not been reported in the literature in individuals affected with PRKAG2-related conditions. ClinVar contains an entry for this variant (Variation ID: 629686). Algorithms developed to predict the effect of sequence changes on RNA splicing suggest that this variant may disrupt the consensus splice site. In summary, the available evidence is currently insufficient to determine the role of this variant in disease. Therefore, it has been classified as a Variant of Uncertain Significance.

Color Diagnostics, LLC DBA Color Health
Classification: Uncertain significance for Cardiomyopathy. Last evaluated: 2020-03-04. Review status: criteria provided, single submitter. Criteria: ACMG Guidelines, 2015. Collection method: clinical testing. Allele origin: germline.
Comment: This variant causes an A to G nucleotide substitution at the -6 position of intron 9 of the PRKAG2 gene. Splice site prediction tools predict that this variant may impact RNA splicing. To our knowledge, functional studies have not been reported for this variant. This variant has not been reported in individuals affected with cardiovascular disorders in the literature. This variant has been identified in 3/280748 chromosomes in the general population by the Genome Aggregation Database (gnomAD). The available evidence is insufficient to determine the role of this variant in disease conclusively. Therefore, this variant is classified as a Variant of Uncertain Significance.

NM_016203.4(PRKAG2):c.1052-6A>G

Gene: PRKAG2 (protein kinase AMP-activated non-catalytic subunit gamma 2; minus strand). Cytogenetic location: 7q36.1.
Variant type: single nucleotide variant.
Coding change: c.1052-6A>G on transcript NM_016203.4 (MANE Select); 6 bases into the intron before coding-DNA position 1052, A replaced by G.
Molecular consequence: intron variant.
Genome position (GRCh38, 1-based): chr7:151,570,231, T>C on the plus strand (A>G on the coding strand, the complement: PRKAG2 is on the minus strand). VCF-style: chr7-151570231-T-C. GRCh37 (hg19) VCF-style: chr7-151267317-T-C.
Other names: c.677-6A>G (NM_001304527.2); c.680-6A>G (NM_001363698.2); c.329-6A>G (NM_001304531.2, NM_024429.2); c.920-6A>G (NM_001040633.2).
Identifiers: ClinVar variation 629686 (VCV000629686.7), dbSNP rs772764664, ClinGen allele CA053342.